The following is an entry in ClinVar:

ClinVar aggregate classification (germline): Uncertain significance. Review status: criteria provided, multiple submitters, no conflicts (2 of 4 stars). 2 submissions from 2 submitters: Uncertain significance (2). Last evaluated 2023-09-24.

Conditions:
Wolfram-like disorder.

Allele frequency attached by ClinVar (database versions not stated): gnomAD 0.00001.
gnomAD v4.1: 55 of 1,613,998 alleles (0.0034%); highest among the groups gnomAD compares: South Asian, 0.059%; no homozygotes.

Submissions (2):

Labcorp Genetics (formerly Invitae), Labcorp
Classification: Uncertain significance. Last evaluated: 2023-09-24. Review status: criteria provided, single submitter. Criteria: Invitae Variant Classification Sherloc (09022015). Collection method: clinical testing. Allele origin: germline.
Comment: This sequence change replaces asparagine, which is neutral and polar, with lysine, which is basic and polar, at codon 1097 of the CDK13 protein (p.Asn1097Lys). This variant is present in population databases (rs755667901, gnomAD 0.05%), and has an allele count higher than expected for a pathogenic variant. This missense change has been observed in individual(s) with CDK13-related conditions (PMID: 33879837). ClinVar contains an entry for this variant (Variation ID: 992920). Advanced modeling of protein sequence and biophysical properties (such as structural, functional, and spatial information, amino acid conservation, physicochemical variation, residue mobility, and thermodynamic stability) has been performed at Invitae for this missense variant, however the output from this modeling did not meet the statistical confidence thresholds required to predict the impact of this variant on CDK13 protein function. In summary, the available evidence is currently insufficient to determine the role of this variant in disease. Therefore, it has been classified as a Variant of Uncertain Significance.

Center for Statistical Genetics, Columbia University
Classification: Uncertain significance for Wolfram-like disorder. Last evaluated: 2021-01-05. Review status: criteria provided, single submitter. Criteria: ACMG Guidelines, 2015. Collection method: research. Allele origin: germline. Inheritance: Autosomal recessive inheritance. Affected: yes.

Literature cited by the submitters: PubMed 33879837 (cited by Labcorp Genetics (formerly Invitae), Labcorp).

NM_003718.5(CDK13):c.3291C>A (p.Asn1097Lys)

Gene: CDK13 (cyclin dependent kinase 13; plus strand). Cytogenetic location: 7p14.1.
Variant type: single nucleotide variant.
Coding change: c.3291C>A on transcript NM_003718.5 (MANE Select); coding-DNA position 3291, C replaced by A.
Protein change: p.Asn1097Lys; replaces asparagine 1097 with lysine.
Molecular consequence: missense variant. On other transcripts: intron variant (1).
Genome position (GRCh38, 1-based): chr7:40,092,840, C>A. VCF-style: chr7-40092840-C-A. GRCh37 (hg19) VCF-style: chr7-40132439-C-A.
Other names: c.3236-125C>A (NM_031267.3); short protein forms N1097K.
Identifiers: ClinVar variation 992920 (VCV000992920.2), dbSNP rs755667901, ClinGen allele CA4228923.